The following is an entry in ClinVar:

ClinVar aggregate classification (germline): Uncertain significance. Review status: criteria provided, multiple submitters, no conflicts (2 of 4 stars). 2 submissions from 2 submitters: Uncertain significance (2). Last evaluated 2025-05-06.

Conditions:
Inborn genetic diseases. Identifiers: MedGen C0950123, MeSH D030342.

gnomAD v4.1: 5 of 1,612,350 alleles (0.00031%); highest among the groups gnomAD compares: Admixed American, 0.0083%; no homozygotes.

Submissions (2):

Labcorp Genetics (formerly Invitae), Labcorp
Classification: Uncertain significance. Last evaluated: 2025-05-06. Review status: criteria provided, single submitter. Criteria: Invitae Variant Classification Sherloc (09022015). Collection method: clinical testing. Allele origin: germline.
Comment: This sequence change replaces leucine, which is neutral and non-polar, with valine, which is neutral and non-polar, at codon 114 of the UCHL1 protein (p.Leu114Val). This variant is present in population databases (no rsID available, gnomAD 0.003%). This variant has not been reported in the literature in individuals affected with UCHL1-related conditions. ClinVar contains an entry for this variant (Variation ID: 3330763). An algorithm developed to predict the effect of missense changes on protein structure and function (PolyPhen-2) suggests that this variant is likely to be disruptive. In summary, the available evidence is currently insufficient to determine the role of this variant in disease. Therefore, it has been classified as a Variant of Uncertain Significance.

Ambry Genetics
Classification: Uncertain significance for Inborn genetic diseases. Last evaluated: 2024-04-04. Review status: criteria provided, single submitter. Criteria: Ambry Variant Classification Scheme 2023. Collection method: clinical testing. Allele origin: germline.

NM_004181.5(UCHL1):c.340C>G (p.Leu114Val)

Gene: UCHL1 (ubiquitin C-terminal hydrolase L1; plus strand). Cytogenetic location: 4p13.
Variant type: single nucleotide variant.
Coding change: c.340C>G on transcript NM_004181.5 (MANE Select); coding-DNA position 340, C replaced by G.
Protein change: p.Leu114Val; replaces leucine 114 with valine.
Molecular consequence: missense variant.
Genome position (GRCh38, 1-based): chr4:41,261,729, C>G. VCF-style: chr4-41261729-C-G. GRCh37 (hg19) VCF-style: chr4-41263746-C-G.
Other names: short protein forms L114V.
Identifiers: ClinVar variation 3330763 (VCV003330763.2).